The following is an entry in ClinVar:

ClinVar aggregate classification (germline): Uncertain significance (1 of 4 stars; one submission).

Submission:

Labcorp Genetics (formerly Invitae), Labcorp
Classification: Uncertain significance. Last evaluated: 2022-11-15. Review status: criteria provided, single submitter. Criteria: Invitae Variant Classification Sherloc (09022015). Collection method: clinical testing. Allele origin: germline.
Comment: In summary, the available evidence is currently insufficient to determine the role of this variant in disease. Therefore, it has been classified as a Variant of Uncertain Significance. Advanced modeling of protein sequence and biophysical properties (such as structural, functional, and spatial information, amino acid conservation, physicochemical variation, residue mobility, and thermodynamic stability) performed at Invitae indicates that this missense variant is not expected to disrupt CUL3 protein function. This variant has not been reported in the literature in individuals affected with CUL3-related conditions. This variant is not present in population databases (gnomAD no frequency). This sequence change replaces aspartic acid, which is acidic and polar, with asparagine, which is neutral and polar, at codon 204 of the CUL3 protein (p.Asp204Asn).

NM_003590.5(CUL3):c.610G>A (p.Asp204Asn)

Gene: CUL3 (cullin 3; minus strand). Cytogenetic location: 2q36.2.
Variant type: single nucleotide variant.
Coding change: c.610G>A on transcript NM_003590.5 (MANE Select); coding-DNA position 610, G replaced by A.
Protein change: p.Asp204Asn; replaces aspartic acid 204 with asparagine.
Molecular consequence: missense variant.
Genome position (GRCh38, 1-based): chr2:224,513,568, C>T on the plus strand (G>A on the coding strand, the complement: CUL3 is on the minus strand). VCF-style: chr2-224513568-C-T. GRCh37 (hg19) VCF-style: chr2-225378285-C-T.
Other names: c.412G>A, p.Asp138Asn (NM_001257197.2); c.628G>A, p.Asp210Asn (NM_001257198.2); short protein forms D204N, D138N, D210N.
Identifiers: ClinVar variation 2811615 (VCV002811615.3), dbSNP rs1411316058, ClinGen allele CA350831186.
Genomic context (GRCh38, chr2:224,513,568, plus strand): 5'-CATTTTCACGGATTACCTGAAAAAATTCTGCAGACATTTCCAAAAAAGGAGCCTCAAAAT[C>T]TTCTTCATAGACTGATCTTCCTTCGAGACCTAAAATCATTAACATCTGGCAAGCATTTCT-3'
Protein context (NP_003581.1, residues 194-214): GLEGRSVYEE[Asp204Asn]FEAPFLEMSA